The following is an entry in ClinVar:

ClinVar aggregate classification (germline): Pathogenic (1 of 4 stars; one submission).

Submission:

Labcorp Genetics (formerly Invitae), Labcorp
Classification: Pathogenic. Last evaluated: 2025-06-02. Review status: criteria provided, single submitter. Criteria: Invitae Variant Classification Sherloc (09022015). Collection method: clinical testing. Allele origin: germline.
Comment: This sequence change creates a premature translational stop signal (p.Trp638*) in the ITGB4 gene. It is expected to result in an absent or disrupted protein product. Loss-of-function variants in ITGB4 are known to be pathogenic (PMID: 11328943, 16473856). This variant is not present in population databases (gnomAD no frequency). This variant has not been reported in the literature in individuals affected with ITGB4-related conditions. ClinVar contains an entry for this variant (Variation ID: 3723807). For these reasons, this variant has been classified as Pathogenic.

Literature cited by the submitters: PubMed 11328943; PubMed 16473856.

NM_000213.5(ITGB4):c.1913G>A (p.Trp638Ter)

Gene: ITGB4 (integrin subunit beta 4; plus strand). Cytogenetic location: 17q25.1.
Variant type: single nucleotide variant.
Coding change: c.1913G>A on transcript NM_000213.5 (MANE Select); coding-DNA position 1913, G replaced by A.
Protein change: p.Trp638Ter; replaces tryptophan 638 with a stop codon.
Molecular consequence: nonsense.
Genome position (GRCh38, 1-based): chr17:75,736,617, G>A. VCF-style: chr17-75736617-G-A. GRCh37 (hg19) VCF-style: chr17-73732698-G-A.
Other names: c.1913G>A, p.Trp638Ter (NM_001005619.2, NM_001005731.3, NM_001321123.2); short protein forms W638*.
Identifiers: ClinVar variation 3723807 (VCV003723807.2).